The following is an entry in ClinVar:

ClinVar aggregate classification (germline): Uncertain significance (1 of 4 stars; one submission).

Conditions:
Hereditary cancer-predisposing syndrome. Also called: Neoplastic Syndromes, Hereditary; Tumor predisposition; Hereditary Cancer Syndrome; Hereditary neoplastic syndrome. Identifiers: Orphanet 140162, MedGen C0027672, MeSH D009386, MONDO:0015356.

Submission:

Ambry Genetics
Classification: Uncertain significance for Hereditary cancer-predisposing syndrome. Last evaluated: 2015-09-23. Review status: criteria provided, single submitter. Criteria: Ambry Variant Classification Scheme 2023. Collection method: clinical testing. Allele origin: germline.
Comment: The p.N134D variant (also known as c.400A>G), located in coding exon 4 of the BARD1 gene, results from an A to G substitution at nucleotide position 400. The asparagine at codon 134 is replaced by aspartic acid, an amino acid with highly similar properties. This variant was not reported in population based cohorts in the following databases: Database of Single Nucleotide Polymorphisms (dbSNP), NHLBI Exome Sequencing Project (ESP), and 1000 Genomes Project. In the ESP, this variant was not observed in 6502 samples (13004 alleles) with coverage at this position. To date, this alteration has been detected with an allele frequency of approximately 0.002% (greater than 65000 alleles tested) in our clinical cohort. This amino acid position is poorly conserved in available vertebrate species. In addition, this alteration is predicted to be tolerated by in silico analysis. Since supporting evidence is limited at this time, the clinical significance of p.N134D remains unclear.

NM_000465.4(BARD1):c.400A>G (p.Asn134Asp)

Gene: BARD1 (BRCA1 associated RING domain 1; minus strand). Cytogenetic location: 2q35.
Variant type: single nucleotide variant.
Coding change: c.400A>G on transcript NM_000465.4 (MANE Select); coding-DNA position 400, A replaced by G.
Protein change: p.Asn134Asp; replaces asparagine 134 with aspartic acid.
Molecular consequence: missense variant. On other transcripts: non-coding transcript variant (2), intron variant (3).
Genome position (GRCh38, 1-based): chr2:214,781,474, T>C on the plus strand (A>G on the coding strand, the complement: BARD1 is on the minus strand). VCF-style: chr2-214781474-T-C. GRCh37 (hg19) VCF-style: chr2-215646198-T-C.
Other names: c.343A>G, p.Asn115Asp (NM_001282543.2); c.158+27938A>G (NM_001282548.2); c.215+15587A>G (NM_001282545.2); c.364+10823A>G (NM_001282549.2); short protein forms N134D, N115D.
Identifiers: ClinVar variation 234105 (VCV000234105.5), dbSNP rs876660852, ClinGen allele CA10577848.
Genomic context (GRCh38, chr2:214,781,474, plus strand): 5'-CTTTCTTACTTCGAGGGCTAAACCACATTTTAATTGAATTCTTCTTGTTTCCTGCATCAT[T>C]AAACAAACTTTTCCTAGGTTTATCTTCTTTCAAATCTGACAGAAAAAAAGAAAAAGAAAT-3'
Protein context (NP_000456.2, residues 124-144): KEDKPRKSLF[Asn134Asp]DAGNKKNSIK